The following is an entry in ClinVar:

ClinVar aggregate classification (germline): Likely pathogenic (0 of 4 stars; one submission).

Conditions:
COL11A2-related disorder. Also called: COL11A2-related disorders; COL11A2-related condition.

Allele frequency attached by ClinVar (database versions not stated): ExAC 0.00001.
gnomAD v4.1: 5 of 1,612,380 alleles (0.00031%); highest among the groups gnomAD compares: Admixed American, 0.0017%; no homozygotes.

Submission:

PreventionGenetics, part of Exact Sciences
Classification: Likely pathogenic for COL11A2-related condition. Last evaluated: 2023-11-28. Review status: no assertion criteria provided. Collection method: clinical testing. Allele origin: germline.
Comment: The COL11A2 c.1798C>T variant is predicted to result in premature protein termination (p.Arg600*). To our knowledge, this variant has not been reported in the literature. This variant is reported in 0.0029% of alleles in individuals of Latino descent in gnomAD. Nonsense variants in COL11A2 are expected to be pathogenic. This variant is interpreted as likely pathogenic.

NM_080680.3(COL11A2):c.1798C>T (p.Arg600Ter)

Gene: COL11A2 (collagen type XI alpha 2 chain; minus strand). Cytogenetic location: 6p21.32.
Variant type: single nucleotide variant.
Coding change: c.1798C>T on transcript NM_080680.3 (MANE Select); coding-DNA position 1798, C replaced by T.
Protein change: p.Arg600Ter; replaces arginine 600 with a stop codon.
Molecular consequence: nonsense.
Genome position (GRCh38, 1-based): chr6:33,178,328, G>A on the plus strand (C>T on the coding strand, the complement: COL11A2 is on the minus strand). VCF-style: chr6-33178328-G-A. GRCh37 (hg19) VCF-style: chr6-33146105-G-A.
Other names: c.1618C>T, p.Arg540Ter (NM_001424108.1); c.952C>T, p.Arg318Ter (NM_001424109.1); c.772C>T, p.Arg258Ter (NM_001424110.1, NM_001424111.1); c.1477C>T, p.Arg493Ter (NM_080679.3); c.1540C>T, p.Arg514Ter (NM_080681.3); short protein forms R258*, R318*, R493*, R514*, R540*, R600*.
Identifiers: ClinVar variation 3036974 (VCV003036974.2), dbSNP rs757215211, ClinGen allele CA3751202.